The following is an entry in ClinVar:

ClinVar aggregate classification (germline): Uncertain significance (1 of 4 stars; one submission).

Conditions:
Charcot-Marie-Tooth disease type 4A. Also called: Charcot-Marie-Tooth disease, demyelinating, autosomal recessive, type 4a. Identifiers: Orphanet 99948, MedGen C1859198, MONDO:0008961, OMIM 214400.

gnomAD v4.1: 1 of 1,613,916 alleles (0.000062%); highest among the groups gnomAD compares: Non-Finnish European, 0.000085%; no homozygotes.

Submission:

Labcorp Genetics (formerly Invitae), Labcorp
Classification: Uncertain significance for Charcot-Marie-Tooth disease type 4A. Last evaluated: 2025-11-19. Review status: criteria provided, single submitter. Criteria: Invitae Variant Classification Sherloc (09022015). Collection method: clinical testing. Allele origin: germline.
Comment: This sequence change replaces aspartic acid, which is acidic and polar, with alanine, which is neutral and non-polar, at codon 149 of the GDAP1 protein (p.Asp149Ala). This variant is not present in population databases (gnomAD no frequency). This variant has not been reported in the literature in individuals affected with GDAP1-related conditions. ClinVar contains an entry for this variant (Variation ID: 1963868). Invitae Evidence Modeling of protein sequence and biophysical properties (such as structural, functional, and spatial information, amino acid conservation, physicochemical variation, residue mobility, and thermodynamic stability) indicates that this missense variant is not expected to disrupt GDAP1 protein function with a negative predictive value of 80%. This variant disrupts the p.Asp149 amino acid residue in GDAP1. Other variant(s) that disrupt this residue have been determined to be pathogenic (PMID: 15469949). This suggests that this residue is clinically significant, and that variants that disrupt this residue are likely to be disease-causing. In summary, the available evidence is currently insufficient to determine the role of this variant in disease. Therefore, it has been classified as a Variant of Uncertain Significance.

Literature cited by the submitters: PubMed 15469949.

NM_018972.4(GDAP1):c.446A>C (p.Asp149Ala)

Gene: GDAP1 (ganglioside induced differentiation associated protein 1; plus strand). Cytogenetic location: 8q21.11.
Variant type: single nucleotide variant.
Coding change: c.446A>C on transcript NM_018972.4 (MANE Select); coding-DNA position 446, A replaced by C.
Protein change: p.Asp149Ala; replaces aspartic acid 149 with alanine.
Molecular consequence: missense variant. On other transcripts: intron variant (1).
Genome position (GRCh38, 1-based): chr8:74,360,272, A>C. VCF-style: chr8-74360272-A-C. GRCh37 (hg19) VCF-style: chr8-75272507-A-C.
Other names: c.242A>C, p.Asp81Ala (NM_001040875.4); c.119A>C, p.Asp40Ala (NM_001362929.2, NM_001362932.2); c.446A>C, p.Asp149Ala (NM_001362931.2); c.311-1612A>C (NM_001362930.2); short protein forms D149A, D81A, D40A.
Identifiers: ClinVar variation 1963868 (VCV001963868.5), dbSNP rs1586803296, ClinGen allele CA371548884.
Genomic context (GRCh38, chr8:74,360,272, plus strand): 5'-ACTCCTTGCCAATGGATGCCTATACACATGGCTGCATTTTACATCCTGAGTTAACTGTGG[A>C]CTCCATGATCCCGGCTTATGCAACTACAAGGATTCGTAGTATGTAAACATTTTAAAGACC-3'
Protein context (NP_061845.2, residues 139-159): GCILHPELTV[Asp149Ala]SMIPAYATTR